The following is an entry in ClinVar:

NM_003719.5(PDE8B):c.*741A>T

Gene: PDE8B (phosphodiesterase 8B; plus strand). Cytogenetic location: 5q13.3.
Variant type: single nucleotide variant.
Coding change: c.*741A>T on transcript NM_003719.5 (MANE Select); 741 bases downstream of the stop codon, A replaced by T.
Molecular consequence: 3 prime UTR variant.
Genome position (GRCh38, 1-based): chr5:77,427,295, A>T. VCF-style: chr5-77427295-A-T. GRCh37 (hg19) VCF-style: chr5-76723120-A-T.
Other names: c.*741A>T (NM_001029851.4, NM_001029852.4, NM_001029853.4 and 19 more transcripts); c.*827A>T (NM_001349751.3, NM_001376072.1).
Identifiers: ClinVar variation 354196 (VCV000354196.5), dbSNP rs189940792, ClinGen allele CA10624995.
Genomic context (GRCh38, chr5:77,427,295, plus strand): 5'-GGGTTCATCTTAACAAAGTCATCCATGATGAGGGAAAAAGTGGCATTTCATTTTTGGGGA[A>T]TCCATGAGCTTCCTTTATTTCTGGCTCACAGAGGCAGCCACGAGGCACTACACCAAGTAT-3'

ClinVar aggregate classification (germline): Benign (1 of 4 stars; one submission).

Conditions:
Autosomal dominant striatal neurodegeneration type 1. Identifiers: Orphanet 228169, MedGen C4310808, MONDO:0012205, OMIM 609161.

Allele frequency attached by ClinVar (database versions not stated): 1000 Genomes Project 30x 0.00031; 1000 Genomes Project 0.00040; gnomAD 0.00044; TOPMed 0.00054.

Submission:

Illumina Laboratory Services, Illumina
Classification: Benign for Autosomal dominant striatal neurodegeneration type 1. Last evaluated: 2018-01-13. Review status: criteria provided, single submitter. Criteria: ICSL Variant Classification Criteria 13 December 2019. Collection method: clinical testing. Allele origin: germline.
Comment: This variant was observed in the ICSL laboratory as part of a predisposition screen in an ostensibly healthy population. It had not been previously curated by ICSL or reported in the Human Gene Mutation Database (HGMD: prior to June 1st, 2018), and was therefore a candidate for classification through an automated scoring system. Utilizing variant allele frequency, disease prevalence and penetrance estimates, and inheritance mode, an automated score was calculated to assess if this variant is too frequent to cause the disease. Based on the score and internal cut-off values, a variant classified as benign is not then subjected to further curation. The score for this variant resulted in a classification of benign for this disease.